The following is an entry in ClinVar:

NM_005219.5(DIAPH1):c.203A>G (p.His68Arg)

Gene: DIAPH1 (diaphanous related formin 1; minus strand). Cytogenetic location: 5q31.3.
Variant type: single nucleotide variant.
Coding change: c.203A>G on transcript NM_005219.5 (MANE Select); coding-DNA position 203, A replaced by G.
Protein change: p.His68Arg; replaces histidine 68 with arginine.
Molecular consequence: missense variant.
Genome position (GRCh38, 1-based): chr5:141,587,139, T>C on the plus strand (A>G on the coding strand, the complement: DIAPH1 is on the minus strand). VCF-style: chr5-141587139-T-C. GRCh37 (hg19) VCF-style: chr5-140966706-T-C.
Other names: c.176A>G, p.His59Arg (NM_001079812.3); c.203A>G, p.His68Arg (NM_001314007.2); short protein forms H59R, H68R.
Identifiers: ClinVar variation 3761589 (VCV003761589.2).

ClinVar aggregate classification (germline): Uncertain significance (1 of 4 stars; one submission).

Conditions:
Progressive microcephaly-seizures-cortical blindness-developmental delay syndrome. Also called: Seizures, cortical blindness, and microcephaly syndrome. Identifiers: Orphanet 477814, MedGen C5567650, MONDO:0014714, OMIM 616632.
Autosomal dominant nonsyndromic hearing loss 1. Also called: DEAFNESS, AUTOSOMAL DOMINANT 1, WITH OR WITHOUT THROMBOCYTOPENIA; KONIGSMARK SYNDROME. Identifiers: Orphanet 90635, MedGen C1852282, MONDO:0007424, OMIM 124900.

gnomAD v4.1: 1 of 1,614,198 alleles (0.000062%); highest among the groups gnomAD compares: Non-Finnish European, 0.000085%; no homozygotes.

Submission:

Labcorp Genetics (formerly Invitae), Labcorp
Classification: Uncertain significance for Progressive microcephaly-seizures-cortical blindness-developmental delay syndrome; Autosomal dominant nonsyndromic hearing loss 1. Last evaluated: 2025-02-01. Review status: criteria provided, single submitter. Criteria: Invitae Variant Classification Sherloc (09022015). Collection method: clinical testing. Allele origin: germline.
Comment: This sequence change replaces histidine, which is basic and polar, with arginine, which is basic and polar, at codon 68 of the DIAPH1 protein (p.His68Arg). This variant is not present in population databases (gnomAD no frequency). This variant has not been reported in the literature in individuals affected with DIAPH1-related conditions. Experimental studies and prediction algorithms are not available or were not evaluated, and the functional significance of this variant is currently unknown. In summary, the available evidence is currently insufficient to determine the role of this variant in disease. Therefore, it has been classified as a Variant of Uncertain Significance.